The following is an entry in ClinVar:

ClinVar aggregate classification (germline): Uncertain significance (1 of 4 stars; one submission).

Submission:

GeneDx
Classification: Uncertain significance. Last evaluated: 2025-06-26. Review status: criteria provided, single submitter. Criteria: GeneDx Variant Classification Process June 2021. Collection method: clinical testing. Allele origin: germline. Affected: yes.
Comment: Not observed at significant frequency in large population cohorts (gnomAD); In silico analysis supports that this missense variant has a deleterious effect on protein structure/function; Has not been previously published as pathogenic or benign to our knowledge

NM_000493.4(COL10A1):c.685G>C (p.Gly229Arg)

Genes: COL10A1 (collagen type X alpha 1 chain; minus strand), NT5DC1 (5'-nucleotidase domain containing 1; plus strand). Cytogenetic location: 6q22.1.
Variant type: single nucleotide variant.
Coding change: c.685G>C on transcript NM_000493.4 (MANE Select); coding-DNA position 685, G replaced by C.
Protein change: p.Gly229Arg; replaces glycine 229 with arginine.
Molecular consequence: missense variant. On other transcripts: intron variant (1).
Genome position (GRCh38, 1-based): chr6:116,121,431, C>G on the plus strand (G>C on the coding strand, the complement: COL10A1 is on the minus strand). VCF-style: chr6-116121431-C-G. GRCh37 (hg19) VCF-style: chr6-116442594-C-G.
Other names: c.685G>C, p.Gly229Arg (NM_001424106.1, NM_001424107.1); c.529+3486C>G (NM_152729.3); short protein forms G229R.
Identifiers: ClinVar variation 4540160 (VCV004540160.1).